The following is an entry in ClinVar:

NM_005228.5(EGFR):c.2998G>A (p.Ala1000Thr)

Gene: EGFR (epidermal growth factor receptor; plus strand). Cytogenetic location: 7p11.2.
Variant type: single nucleotide variant.
Coding change: c.2998G>A on transcript NM_005228.5 (MANE Select); coding-DNA position 2998, G replaced by A.
Protein change: p.Ala1000Thr; replaces alanine 1000 with threonine.
Molecular consequence: missense variant.
Genome position (GRCh38, 1-based): chr7:55,201,239, G>A. VCF-style: chr7-55201239-G-A. GRCh37 (hg19) VCF-style: chr7-55268932-G-A.
Other names: c.2863G>A, p.Ala955Thr (NM_001346897.2, NM_001346899.2); c.2998G>A, p.Ala1000Thr (NM_001346898.2); c.2839G>A, p.Ala947Thr (NM_001346900.2); c.2197G>A, p.Ala733Thr (NM_001346941.2); short protein forms A1000T, A733T, A947T, A955T.
Identifiers: ClinVar variation 1717853 (VCV001717853.6), dbSNP rs2128971574, ClinGen allele CA367582441.

ClinVar aggregate classification (germline): Uncertain significance. Review status: criteria provided, multiple submitters, no conflicts (2 of 4 stars). 2 submissions from 2 submitters: Uncertain significance (2). Last evaluated 2026-04-28.

Conditions:
Hereditary cancer-predisposing syndrome. Also called: Hereditary Cancer Syndrome; Neoplastic Syndromes, Hereditary; Hereditary neoplastic syndrome; Tumor predisposition. Identifiers: Orphanet 140162, MedGen C0027672, MeSH D009386, MONDO:0015356.
EGFR-related lung cancer (EGFR). Identifiers: MedGen CN130014.

Allele frequency attached by ClinVar (database versions not stated): gnomAD exomes below 0.00001.
gnomAD v4.1: 2 of 1,614,134 alleles (0.00012%); highest among the groups gnomAD compares: African/African-American, 0.0013%; no homozygotes.

Submissions (2):

Ambry Genetics
Classification: Uncertain significance for Hereditary cancer-predisposing syndrome. Last evaluated: 2026-04-28. Review status: criteria provided, single submitter. Criteria: Ambry Variant Classification Scheme 2023. Collection method: clinical testing. Allele origin: germline.
Comment: The p.A1000T variant (also known as c.2998G>A), located in coding exon 25 of the EGFR gene, results from a G to A substitution at nucleotide position 2998. The alanine at codon 1000 is replaced by threonine, an amino acid with similar properties. This amino acid position is conserved. In addition, this alteration is predicted to be tolerated by in silico analysis. Based on the available evidence, the clinical significance of this variant remains unclear.

Labcorp Genetics (formerly Invitae), Labcorp
Classification: Uncertain significance for EGFR-related lung cancer. Last evaluated: 2024-02-23. Review status: criteria provided, single submitter. Criteria: Invitae Variant Classification Sherloc (09022015). Collection method: clinical testing. Allele origin: germline.
Comment: This sequence change replaces alanine, which is neutral and non-polar, with threonine, which is neutral and polar, at codon 1000 of the EGFR protein (p.Ala1000Thr). This variant is not present in population databases (gnomAD no frequency). This variant has not been reported in the literature in individuals affected with EGFR-related conditions. ClinVar contains an entry for this variant (Variation ID: 1717853). Advanced modeling of protein sequence and biophysical properties (such as structural, functional, and spatial information, amino acid conservation, physicochemical variation, residue mobility, and thermodynamic stability) performed at Invitae indicates that this missense variant is not expected to disrupt EGFR protein function with a negative predictive value of 80%. In summary, the available evidence is currently insufficient to determine the role of this variant in disease. Therefore, it has been classified as a Variant of Uncertain Significance.